The following is an entry in ClinVar:

ClinVar aggregate classification (germline): Likely benign (0 of 4 stars; one submission).

Conditions:
TEX14-related disorder. Also called: TEX14-related condition.

Submission:

PreventionGenetics, part of Exact Sciences
Classification: Likely benign for TEX14-related condition. Last evaluated: 2019-07-15. Review status: no assertion criteria provided. Collection method: clinical testing. Allele origin: germline.
Comment: This variant is classified as likely benign based on ACMG/AMP sequence variant interpretation guidelines (Richards et al. 2015 PMID: 25741868, with internal and published modifications).

NM_031272.5(TEX14):c.2788+10_2788+11del

Gene: TEX14 (testis expressed 14, intercellular bridge forming factor; minus strand). Cytogenetic location: 17q22.
Variant type: Deletion.
Coding change: c.2788+10_2788+11del on transcript NM_031272.5 (MANE Select); bases 10 to 11 of the intron after coding-DNA position 2788, 2 bases deleted (AA; older notation c.2788+10_2788+11delAA).
Molecular consequence: intron variant.
Genome position (GRCh38, 1-based): chr17:58,587,570-58,587,571, TT deleted on the plus strand (AA on the coding strand, the reverse complement: TEX14 is on the minus strand); deleting any 2 consecutive bases within chr17:58,587,570-58,587,572 gives the same sequence; the c. name uses the placement nearest the transcript's 3' end. VCF-style (leftmost placement, unchanged base first): chr17-58587569-CTT-C. GRCh37 (hg19) VCF-style: chr17-56664930-CTT-C.
Other names: c.2788+10_2788+11del (NM_198393.4); c.2806+10_2806+11del (NM_001201457.2).
Identifiers: ClinVar variation 3049605 (VCV003049605.2), dbSNP rs2045007318, ClinGen allele CA2267764862.